The following is an entry in ClinVar:

ClinVar aggregate classification (germline): Likely benign. Review status: criteria provided, single submitter (1 of 4 stars). 2 submissions from 2 submitters: Likely benign (1). 1 of the submissions does not count toward it. Last evaluated 2020-10-29.

Conditions:
Luscan-Lumish syndrome. Identifiers: Orphanet 597738, MedGen C4085873, MONDO:0014791, OMIM 616831.
SETD2-related disorder.

Allele frequency attached by ClinVar (database versions not stated): gnomAD exomes below 0.00001; gnomAD 0.00001; TOPMed 0.00001.
gnomAD v4.1: 6 of 1,613,966 alleles (0.00037%); highest among the groups gnomAD compares: Admixed American, 0.005%; no homozygotes.

Submissions (2):

Labcorp Genetics (formerly Invitae), Labcorp
Classification: Likely benign for Luscan-Lumish syndrome. Last evaluated: 2020-10-29. Review status: criteria provided, single submitter. Criteria: Invitae Variant Classification Sherloc (09022015). Collection method: clinical testing. Allele origin: germline.

PreventionGenetics, part of Exact Sciences
Classification: Likely benign for SETD2-related condition. Last evaluated: 2023-11-02. Review status: no assertion criteria provided. Collection method: clinical testing. Allele origin: germline. Not counted in ClinVar's aggregate classification.
Comment: This variant is classified as likely benign based on ACMG/AMP sequence variant interpretation guidelines (Richards et al. 2015 PMID: 25741868, with internal and published modifications).

NM_014159.7(SETD2):c.6642A>G (p.Thr2214=)

Gene: SETD2 (SET domain containing 2, histone lysine methyltransferase; minus strand). Cytogenetic location: 3p21.31.
Variant type: single nucleotide variant.
Coding change: c.6642A>G on transcript NM_014159.7 (MANE Select); coding-DNA position 6642, A replaced by G.
Protein change: p.Thr2214=; no amino-acid change (threonine 2214 retained).
Molecular consequence: synonymous variant. On other transcripts: non-coding transcript variant (1).
Genome position (GRCh38, 1-based): chr3:47,057,142, T>C on the plus strand (A>G on the coding strand, the complement: SETD2 is on the minus strand). VCF-style: chr3-47057142-T-C. GRCh37 (hg19) VCF-style: chr3-47098632-T-C.
Other names: c.6510A>G, p.Thr2170= (NM_001349370.3); c.6642A>G (NM_014159.6).
Identifiers: ClinVar variation 1113629 (VCV001113629.9), dbSNP rs934104750, ClinGen allele CA73796410.